The following is an entry in ClinVar:

ClinVar aggregate classification (germline): Uncertain significance (1 of 4 stars; one submission).

Submission:

Ambry Genetics
Classification: Uncertain significance. Last evaluated: 2025-05-25. Review status: criteria provided, single submitter. Criteria: Ambry Variant Classification Scheme 2023. Collection method: clinical testing. Allele origin: germline.
Comment: The c.1552C>T (p.P518S) alteration is located in exon (coding exon ) of the HIPK2 gene. This alteration results from a C to T substitution at nucleotide position 1552, causing the proline (P) at amino acid position 518 to be replaced by a serine (S). Based on insufficient or conflicting evidence, the clinical significance of this alteration remains unclear.

NM_022740.5(HIPK2):c.1552C>T (p.Pro518Ser)

Gene: HIPK2 (homeodomain interacting protein kinase 2; minus strand). Cytogenetic location: 7q34.
Variant type: single nucleotide variant.
Coding change: c.1552C>T on transcript NM_022740.5 (MANE Select); coding-DNA position 1552, C replaced by T.
Protein change: p.Pro518Ser; replaces proline 518 with serine.
Molecular consequence: missense variant.
Genome position (GRCh38, 1-based): chr7:139,626,668, G>A on the plus strand (C>T on the coding strand, the complement: HIPK2 is on the minus strand). VCF-style: chr7-139626668-G-A. GRCh37 (hg19) VCF-style: chr7-139311414-G-A.
Other names: c.1552C>T, p.Pro518Ser (NM_001113239.3); short protein forms P518S.
Identifiers: ClinVar variation 4035273 (VCV004035273.1).
Genomic context (GRCh38, chr7:139,626,668, plus strand): 5'-TGTGGGGAAAATCGAGTAAGTGTGTCATGGTGACAAAGGGATGGTTCAGGGTTTCGATTG[G>A]AGTGATTCTCTTGTCAGCATCAATGGTCAGCATCTTCTTCAACAGGTCAATGAACTCCCG-3'
Protein context (NP_073577.3, residues 508-528): LTIDADKRIT[Pro518Ser]IETLNHPFVT